The following is an entry in ClinVar:

NM_001127208.3(TET2):c.4538-9T>A

Genes: TET2 (tet methylcytosine dioxygenase 2; plus strand), TET2-AS1 (TET2 antisense RNA 1; minus strand). Cytogenetic location: 4q24.
Variant type: single nucleotide variant.
Coding change: c.4538-9T>A on transcript NM_001127208.3 (MANE Select); 9 bases into the intron before coding-DNA position 4538, T replaced by A.
Molecular consequence: intron variant.
Genome position (GRCh38, 1-based): chr4:105,275,039, T>A. VCF-style: chr4-105275039-T-A. GRCh37 (hg19) VCF-style: chr4-106196196-T-A.
Identifiers: ClinVar variation 4773977 (VCV004773977.1).

ClinVar aggregate classification (germline): Uncertain significance (1 of 4 stars; one submission).

gnomAD v4.1: 7 of 1,515,566 alleles (0.00046%); highest among the groups gnomAD compares: South Asian, 0.0026%; no homozygotes.

Submission:

Labcorp Genetics (formerly Invitae), Labcorp
Classification: Uncertain significance. Last evaluated: 2025-11-23. Review status: criteria provided, single submitter. Criteria: Invitae Variant Classification Sherloc (09022015). Collection method: clinical testing. Allele origin: germline.
Comment: This sequence change falls in intron 10 of the TET2 gene. It does not directly change the encoded amino acid sequence of the TET2 protein. The frequency data for this variant in the population databases is considered unreliable, as metrics indicate poor data quality at this position in the gnomAD database. This variant has not been reported in the literature in individuals affected with TET2-related conditions. Algorithms developed to predict the effect of sequence changes on RNA splicing suggest that this variant may disrupt the consensus splice site. In summary, the available evidence is currently insufficient to determine the role of this variant in disease. Therefore, it has been classified as a Variant of Uncertain Significance.